The following is an entry in ClinVar:

NM_015443.4(KANSL1):c.1653-54A>G

Gene: KANSL1 (KAT8 regulatory NSL complex subunit 1). Cytogenetic location: 17q21.31.
Variant type: single nucleotide variant.
Coding change: c.1653-54A>G on transcript NM_015443.4 (MANE Select); 54 bases into the intron before coding-DNA position 1653, A replaced by G.
Molecular consequence: intron variant.
Genome position (GRCh38, 1-based): chr17:46,066,786, T>C on the plus strand (A>G on the coding strand, the complement: KANSL1 is on the minus strand). VCF-style: chr17-46066786-T-C. GRCh37 (hg19) VCF-style: chr17-44144152-T-C.
Other names: c.1653-54A>G (NM_001193465.2, NM_001379198.1, NM_001193466.2).
Identifiers: ClinVar variation 670659 (VCV000670659.2), dbSNP rs62060798, ClinGen allele CA15891649.
Genomic context (GRCh38, chr17:46,066,786, plus strand): 5'-CTGAAGACTATACAAGGGGAAGGAAGAGTATTCTCAGAACACACAAAGAAACAAAATAAA[T>C]AAACAACAAGAAAACACAAAGAAACAAAGCCTCTTATACTAGTTCAACCTCTATTTGCTA-3'

ClinVar aggregate classification (germline): Benign. Review status: criteria provided, multiple submitters, no conflicts (2 of 4 stars). 2 submissions from 2 submitters: Benign (2). Last evaluated 2018-06-14.

Allele frequency attached by ClinVar (database versions not stated): 1000 Genomes Project 30x 0.08542; 1000 Genomes Project 0.08626; gnomAD 0.14188 and 0.14476; TOPMed 0.14814.
gnomAD v4.1: 239,684 of 1,303,782 alleles (18%); highest among the groups gnomAD compares: Non-Finnish European, 22%; 26,021 homozygotes.

Submissions (2):

GeneDx
Classification: Benign. Last evaluated: 2018-06-14. Review status: criteria provided, single submitter. Criteria: GeneDx Variant Classification (06012015). Collection method: clinical testing. Allele origin: germline. Affected: yes.
Comment: This variant is considered likely benign or benign based on one or more of the following criteria: it is a conservative change, it occurs at a poorly conserved position in the protein, it is predicted to be benign by multiple in silico algorithms, and/or has population frequency not consistent with disease.

Breakthrough Genomics
Classification: Benign. Review status: criteria provided, single submitter. Criteria: ACMG Guidelines, 2015. Collection method: not provided. Allele origin: germline. Inheritance: Autosomal dominant inheritance. Affected: yes.